The following is an entry in ClinVar:

ClinVar aggregate classification (germline): Likely benign. Review status: reviewed by expert panel (3 of 4 stars). 4 submissions from 4 submitters: Likely benign (1). 3 of the submissions do not count toward it. Last evaluated 2017-06-29.

Conditions:
Hereditary cancer-predisposing syndrome. Also called: Hereditary Cancer Syndrome; Neoplastic Syndromes, Hereditary; Hereditary neoplastic syndrome; Tumor predisposition. Identifiers: Orphanet 140162, MedGen C0027672, MeSH D009386, MONDO:0015356.
Hereditary breast ovarian cancer syndrome. Also called: Hereditary breast and ovarian cancer syndrome (HBOC); Breast and ovarian cancer; Hereditary breast and ovarian cancer syndrome; Hereditary breast and ovarian cancer; BRCA1- and BRCA2-Associated Hereditary Breast and Ovarian Cancer; Hereditary breast and/or ovarian cancer syndrome. Identifiers: Orphanet 145, MedGen C0677776, MeSH D061325, MONDO:0003582. Disease mechanism: loss of function.
Breast-ovarian cancer, familial, susceptibility to, 1 (BROVCA1). Also called: BRCA1 Hereditary Breast and Ovarian Cancer; OVARIAN CANCER, SUSCEPTIBILITY TO. Identifiers: Orphanet 145, MedGen C2676676, MONDO:0011450, OMIM 604370. Disease mechanism: loss of function.

Allele frequency attached by ClinVar (database versions not stated): gnomAD 0.00001.
gnomAD v4.1: 1 of 1,612,236 alleles (0.000062%); highest among the groups gnomAD compares: African/African-American, 0.0013%; no homozygotes.

Submissions (4):

Evidence-based Network for the Interpretation of Germline Mutant Alleles (ENIGMA)
Classification: Likely benign for Breast-ovarian cancer, familial, susceptibility to, 1. Last evaluated: 2017-06-29. Review status: reviewed by expert panel. Criteria: ENIGMA BRCA1/2 Classification Criteria (2017-06-29). Collection method: curation. Allele origin: germline.
Comment: Synonymous substitution variant, with low bioinformatic likelihood to result in a splicing aberration (Splicing prior probability 0.02).

Women's Health and Genetics/Laboratory Corporation of America, LabCorp
Classification: Likely benign. Last evaluated: 2025-09-02. Review status: criteria provided, single submitter. Criteria: LabCorp Variant Classification Summary - May 2015. Collection method: clinical testing. Allele origin: germline. Not counted in ClinVar's aggregate classification.

Labcorp Genetics (formerly Invitae), Labcorp
Classification: Likely benign for Hereditary breast ovarian cancer syndrome. Last evaluated: 2022-03-04. Review status: criteria provided, single submitter. Criteria: Invitae Variant Classification Sherloc (09022015). Collection method: clinical testing. Allele origin: germline. Not counted in ClinVar's aggregate classification.

Ambry Genetics
Classification: Likely benign for Hereditary cancer-predisposing syndrome. Last evaluated: 2019-12-08. Review status: criteria provided, single submitter. Criteria: Ambry Variant Classification Scheme 2023. Collection method: clinical testing. Allele origin: germline. Not counted in ClinVar's aggregate classification.

NM_007294.4(BRCA1):c.330G>A (p.Lys110=)

Gene: BRCA1 (BRCA1 DNA repair associated; minus strand). Cytogenetic location: 17q21.31.
Variant type: single nucleotide variant.
Coding change: c.330G>A on transcript NM_007294.4 (MANE Select); coding-DNA position 330, G replaced by A.
Protein change: p.Lys110=; no amino-acid change (lysine 110 retained).
Molecular consequence: synonymous variant. On other transcripts: 5 prime UTR variant (7), intron variant (2).
Genome position (GRCh38, 1-based): chr17:43,104,233, C>T on the plus strand (G>A on the coding strand, the complement: BRCA1 is on the minus strand). VCF-style: chr17-43104233-C-T. GRCh37 (hg19) VCF-style: chr17-41256250-C-T.
Other names: c.330G>A, p.Lys110= (NM_001407638.1, NM_001407639.1, NM_001407640.1 and 165 more transcripts); c.321G>A, p.Lys107= (NM_001407646.1, NM_001407647.1, NM_001408408.1); c.252G>A, p.Lys84= (NM_001407653.1, NM_001407654.1, NM_001407655.1 and 21 more transcripts); c.189G>A, p.Lys63= (NM_001407692.1, NM_001407694.1, NM_001407695.1 and 99 more transcripts); c.120G>A, p.Lys40= (NM_001407853.1, NM_001407879.1, NM_001407881.1 and 58 more transcripts); c.-52G>A (NM_001407959.1, NM_001407960.1, NM_001407962.1 and 4 more transcripts); c.198G>A, p.Lys66= (NM_001408451.1); c.-218-9373G>A (NM_001407967.1, NM_001407966.1).
Identifiers: ClinVar variation 240791 (VCV000240791.17), dbSNP rs878854947, ClinGen allele CA10583593.
Genomic context (GRCh38, chr17:43,104,233, plus strand): 5'-GTAGCCCATACTTTGGATGATAGAAACTTCATCTTTTAGATGTTCAGGAGAGTTATTTTC[C>T]TTTTTTGCAAAATTATAGCTGTTTGCATCTGTAAAATACAAGGGAAAACATTATGTTTGC-3'
Protein context (NP_009225.1, residues 100-120): EYANSYNFAK[Lys110=]ENNSPEHLKD